The following is an entry in ClinVar:

ClinVar aggregate classification (germline): Uncertain significance (1 of 4 stars; one submission).

Conditions:
Wilson disease (WND). Also called: Wilson's disease. Identifiers: Orphanet 905, MedGen C0019202, MONDO:0010200, OMIM 277900. Disease mechanism: loss of function.

gnomAD v4.1: 6 of 1,614,086 alleles (0.00037%); highest among the groups gnomAD compares: Admixed American, 0.01%; no homozygotes.

Submission:

Color Diagnostics, LLC DBA Color Health
Classification: Uncertain significance for Wilson disease. Last evaluated: 2025-06-24. Review status: criteria provided, single submitter. Criteria: ACMG Guidelines, 2015. Collection method: clinical testing. Allele origin: germline.
Comment: This variant causes a C to G nucleotide substitution at the +5 position of intron 8 of the ATP7B gene. To our knowledge, RNA studies have not been reported for this variant. This variant has not been reported in individuals affected with Wilson disease in the literature. This variant has been identified in 4/249146 chromosomes in the general population by the Genome Aggregation Database (gnomAD). The available evidence is insufficient to determine the role of this variant in disease conclusively. Therefore, this variant is classified as a Variant of Uncertain Significance.

NM_000053.4(ATP7B):c.2355+5C>G

Gene: ATP7B (ATPase copper transporting beta; minus strand). Cytogenetic location: 13q14.3.
Variant type: single nucleotide variant.
Coding change: c.2355+5C>G on transcript NM_000053.4 (MANE Select); 5 bases into the intron after coding-DNA position 2355, C replaced by G.
Molecular consequence: intron variant.
Genome position (GRCh38, 1-based): chr13:51,958,306, G>C on the plus strand (C>G on the coding strand, the complement: ATP7B is on the minus strand). VCF-style: chr13-51958306-G-C. GRCh37 (hg19) VCF-style: chr13-52532442-G-C.
Other names: c.2355+5C>G (NM_001406515.1, NM_001406525.1, NM_001406523.1 and 7 more transcripts); c.2259+5C>G (NM_001406518.1, NM_001406517.1); c.1926+5C>G (NM_001406539.1); c.1774-699C>G (NM_001406544.1); c.2026-699C>G (NM_001406536.1); c.2115+5C>G (NM_001406530.1); c.1870-699C>G (NM_001406541.1, NM_001005918.3, NM_001406546.1 and 1 more transcripts); c.2103+5C>G (NM_001406531.1, NM_001406532.1, NM_001406540.1 and 1 more transcripts); and 8 more.
Identifiers: ClinVar variation 4758560 (VCV004758560.1).